The following is an entry in ClinVar:

NM_032830.3(UTP4):c.36T>C (p.Phe12=)

Gene: UTP4 (UTP4 small subunit processome component). Cytogenetic location: 16q22.1.
Variant type: single nucleotide variant.
Coding change: c.36T>C on transcript NM_032830.3 (MANE Select); coding-DNA position 36, T replaced by C.
Protein change: p.Phe12=; no amino-acid change (phenylalanine 12 retained).
Molecular consequence: synonymous variant. On other transcripts: intron variant (1).
Genome position (GRCh38, 1-based): chr16:69,133,495, T>C. VCF-style: chr16-69133495-T-C. GRCh37 (hg19) VCF-style: chr16-69167398-T-C.
Other names: c.-197-17T>C (NM_001318391.2).
Identifiers: ClinVar variation 3032640 (VCV003032640.3), dbSNP rs895142389, ClinGen allele CA283330247.
Genomic context (GRCh38, chr16:69,133,495, plus strand): 5'-ATGACTCTCTTTTCGCCCCCTAGGAATGGGTGAATTTAAGGTCCATCGAGTACGTTTCTT[T>C]AATTATGTTCCATCAGGAATCCGCTGTGTGGCTTACAATAACCAGTCAAACAGATTGGCT-3'
Protein context (NP_116219.2, residues 2-22): GEFKVHRVRF[Phe12=]NYVPSGIRCV

ClinVar aggregate classification (germline): Likely benign. Review status: criteria provided, single submitter (1 of 4 stars). 2 submissions from 2 submitters: Likely benign (1). 1 of the submissions does not count toward it. Last evaluated 2024-11-25.

Conditions:
UTP4-related disorder. Also called: UTP4-related condition.

Allele frequency attached by ClinVar (database versions not stated): gnomAD exomes below 0.00001; TOPMed 0.00002.
gnomAD v4.1: 32 of 1,614,206 alleles (0.002%); highest among the groups gnomAD compares: East Asian, 0.0045%; no homozygotes.

Submissions (2):

Blueprint Genetics
Classification: Likely benign. Last evaluated: 2024-11-25. Review status: criteria provided, single submitter. Criteria: ACMG Guidelines, 2015. Collection method: clinical testing. Allele origin: germline.

PreventionGenetics, part of Exact Sciences
Classification: Likely benign for UTP4-related condition. Last evaluated: 2022-06-03. Review status: no assertion criteria provided. Collection method: clinical testing. Allele origin: germline. Not counted in ClinVar's aggregate classification.
Comment: This variant is classified as likely benign based on ACMG/AMP sequence variant interpretation guidelines (Richards et al. 2015 PMID: 25741868, with internal and published modifications).